The following is an entry in ClinVar:

ClinVar aggregate classification (germline): Uncertain significance (1 of 4 stars; one submission).

Conditions:
Autosomal dominant hypocalcemia 1 (HYPOC1). Also called: HYPOCALCEMIA, FAMILIAL. Identifiers: MedGen C3715128, MONDO:0011013, OMIM 601198.
Familial hypocalciuric hypercalcemia (FHH). Also called: Familial benign hypercalcemia. Identifiers: Orphanet 405, MedGen C1809471, MONDO:0018458.

Submission:

Labcorp Genetics (formerly Invitae), Labcorp
Classification: Uncertain significance for Familial hypocalciuric hypercalcemia; Autosomal dominant hypocalcemia 1. Last evaluated: 2022-02-25. Review status: criteria provided, single submitter. Criteria: Invitae Variant Classification Sherloc (09022015). Collection method: clinical testing. Allele origin: germline.
Comment: In summary, the available evidence is currently insufficient to determine the role of this variant in disease. Therefore, it has been classified as a Variant of Uncertain Significance. Algorithms developed to predict the effect of missense changes on protein structure and function (SIFT, PolyPhen-2, Align-GVGD) all suggest that this variant is likely to be tolerated. This variant has not been reported in the literature in individuals affected with CASR-related conditions. This variant is not present in population databases (gnomAD no frequency). This sequence change replaces serine, which is neutral and polar, with arginine, which is basic and polar, at codon 385 of the CASR protein (p.Ser385Arg).

NM_000388.4(CASR):c.1155C>A (p.Ser385Arg)

Gene: CASR (calcium sensing receptor; plus strand). Cytogenetic location: 3q21.1.
Variant type: single nucleotide variant.
Coding change: c.1155C>A on transcript NM_000388.4 (MANE Select); coding-DNA position 1155, C replaced by A.
Protein change: p.Ser385Arg; replaces serine 385 with arginine.
Molecular consequence: missense variant.
Genome position (GRCh38, 1-based): chr3:122,262,190, C>A. VCF-style: chr3-122262190-C-A. GRCh37 (hg19) VCF-style: chr3-121981037-C-A.
Other names: c.1155C>A, p.Ser385Arg (NM_001178065.2); short protein forms S385R.
Identifiers: ClinVar variation 2103585 (VCV002103585.4), dbSNP rs1330795398, ClinGen allele CA354152710.